The following is an entry in ClinVar:

GRCh37/hg19 Xq26.3(chrX:135767906-136348117)x3

Genes: ARHGEF6 (Rac/Cdc42 guanine nucleotide exchange factor 6; minus strand), GPR101 (G protein-coupled receptor 101; minus strand), RBMX (RNA binding motif protein X-linked; minus strand). Cytogenetic location: Xq26.3.
Variant type: copy number gain.
Change: copy number 3 of chrX:135,767,906-136,348,117 (580.2 kb, GRCh37 coordinates, 1-based), cytogenetic band Xq26.3.
Identifiers: ClinVar variation 1341130 (VCV001341130.1).

ClinVar aggregate classification (germline): Pathogenic (0 of 4 stars; one submission).

Submission:

Quest Diagnostics Nichols Institute San Juan Capistrano
Classification: Pathogenic. Last evaluated: 2021-02-01. Review status: no assertion criteria provided. Collection method: clinical testing. Allele origin: germline.
Comment: The copy number gain of Xq26.3 involves multiple coding genes and is expected to cause phenotypic and/or developmental abnormalities. It includes the GPR101 gene (OMIM 300393) and coincides with the region associated with X-linked acrogigantism (or chromosome Xq26.3 duplication syndrome; OMIM 300942). X-linked acrogigantism, due to microduplications of chromosome Xq26.3, is characterized by excessive growth, usually beginning during the first year of life in previously normal infants. Duplications and gain-of-function missense variants of GPR101, specifically, are associated with X-linked growth hormone-secreting pituitary adenoma-2 (OMIM 300943, also known as X-linked acromegaly) in both males and females, which is characterized by neoplasms of the anterior pituitary gland that result in enlargement of hands, feet and facial bones after growth plates have closed (Trivellin et al., N Engl J Med 2014;371(25):2363-74, PMID: 25470569; Iacovazzo et at., Acta Neuropathol Commun 2016;4(1):56, PMID: 27245663; Lecoq et al., Eur J Endocrinol 2016;174(4):523-30, PMID: 26792934).